The following is an entry in ClinVar:

NM_003579.4(RAD54L):c.1429G>T (p.Ala477Ser)

Gene: RAD54L (RAD54 like; plus strand). Cytogenetic location: 1p34.1.
Variant type: single nucleotide variant.
Coding change: c.1429G>T on transcript NM_003579.4 (MANE Select); coding-DNA position 1429, G replaced by T.
Protein change: p.Ala477Ser; replaces alanine 477 with serine.
Molecular consequence: missense variant.
Genome position (GRCh38, 1-based): chr1:46,273,408, G>T. VCF-style: chr1-46273408-G-T. GRCh37 (hg19) VCF-style: chr1-46739080-G-T.
Other names: c.1429G>T, p.Ala477Ser (NM_001142548.2); c.889G>T, p.Ala297Ser (NM_001370766.1); short protein forms A477S, A297S.
Identifiers: ClinVar variation 1772453 (VCV001772453.2), dbSNP rs1660492661, ClinGen allele CA340180831.
Genomic context (GRCh38, chr1:46,273,408, plus strand): 5'-CTCCCAGATCCAGCTCTAATCTATGATAAGTGTGTGGAAGAGGAGGATGGCTTTGTGGGT[G>T]CCTTGGACCTCTTCCCTCCTGGTTACAGCTCTAAGGCCCTGGAGCCCCAGCTGTCAGGTG-3'
Protein context (NP_003570.2, residues 467-487): CVEEEDGFVG[Ala477Ser]LDLFPPGYSS

ClinVar aggregate classification (germline): Uncertain significance (1 of 4 stars; one submission).

Allele frequency attached by ClinVar (database versions not stated): TOPMed below 0.00001; gnomAD 0.00001.
gnomAD v4.1: 1 of 1,613,990 alleles (0.000062%); highest among the groups gnomAD compares: Non-Finnish European, 0.000085%; no homozygotes.

Submission:

Ambry Genetics
Classification: Uncertain significance. Last evaluated: 2024-03-27. Review status: criteria provided, single submitter. Criteria: Ambry Variant Classification Scheme 2023. Collection method: clinical testing. Allele origin: germline.
Comment: The p.A477S variant (also known as c.1429G>T), located in coding exon 13 of the RAD54L gene, results from a G to T substitution at nucleotide position 1429. The alanine at codon 477 is replaced by serine, an amino acid with similar properties. This amino acid position is conserved. In addition, this alteration is predicted to be tolerated by in silico analysis. Since supporting evidence is limited at this time, the clinical significance of this alteration remains unclear.